The following is an entry in ClinVar:

ClinVar aggregate classification (germline): Uncertain significance. Review status: criteria provided, multiple submitters, no conflicts (2 of 4 stars). 2 submissions from 2 submitters: Uncertain significance (2). Last evaluated 2023-11-21.

Allele frequency attached by ClinVar (database versions not stated): ExAC 0.00001; gnomAD 0.00001; gnomAD exomes 0.00001; TOPMed 0.00001.
gnomAD v4.1: 18 of 1,612,116 alleles (0.0011%); highest among the groups gnomAD compares: Middle Eastern, 0.016%; no homozygotes.

Submissions (2):

Blueprint Genetics
Classification: Uncertain significance. Last evaluated: 2023-11-21. Review status: criteria provided, single submitter. Criteria: ACMG Guidelines, 2015. Collection method: clinical testing. Allele origin: germline.

Labcorp Genetics (formerly Invitae), Labcorp
Classification: Uncertain significance. Last evaluated: 2022-05-15. Review status: criteria provided, single submitter. Criteria: Invitae Variant Classification Sherloc (09022015). Collection method: clinical testing. Allele origin: germline.
Comment: This sequence change falls in intron 11 of the MME gene. It does not directly change the encoded amino acid sequence of the MME protein. This variant is present in population databases (rs768477084, gnomAD 0.006%). This variant has not been reported in the literature in individuals affected with MME-related conditions. Algorithms developed to predict the effect of sequence changes on RNA splicing suggest that this variant may disrupt the consensus splice site. In summary, the available evidence is currently insufficient to determine the role of this variant in disease. Therefore, it has been classified as a Variant of Uncertain Significance.

NM_007289.4(MME):c.1095-19G>A

Gene: MME (membrane metalloendopeptidase; plus strand). Cytogenetic location: 3q25.2.
Variant type: single nucleotide variant.
Coding change: c.1095-19G>A on transcript NM_007289.4 (MANE Select); 19 bases into the intron before coding-DNA position 1095, G replaced by A.
Molecular consequence: intron variant.
Genome position (GRCh38, 1-based): chr3:155,142,218, G>A. VCF-style: chr3-155142218-G-A. GRCh37 (hg19) VCF-style: chr3-154860007-G-A.
Other names: c.1095-19G>A (NM_001354642.2, NM_000902.5, NM_007287.4 and 2 more transcripts).
Identifiers: ClinVar variation 1495307 (VCV001495307.4), dbSNP rs768477084, ClinGen allele CA2675384.